The following is an entry in ClinVar:

NM_004168.4(SDHA):c.1556T>C (p.Met519Thr)

Gene: SDHA (succinate dehydrogenase complex flavoprotein subunit A; plus strand). Cytogenetic location: 5p15.33.
Variant type: single nucleotide variant.
Coding change: c.1556T>C on transcript NM_004168.4 (MANE Select); coding-DNA position 1556, T replaced by C.
Protein change: p.Met519Thr; replaces methionine 519 with threonine.
Molecular consequence: missense variant. On other transcripts: intron variant (1).
Genome position (GRCh38, 1-based): chr5:250,996, T>C. VCF-style: chr5-250996-T-C. GRCh37 (hg19) VCF-style: chr5-251111-T-C.
Other names: c.1412T>C, p.Met471Thr (NM_001294332.2); c.1552-3397T>C (NM_001330758.2); short protein forms M519T, M471T.
Identifiers: ClinVar variation 2605969 (VCV002605969.3), dbSNP rs377706701, ClinGen allele CA112783482.

ClinVar aggregate classification (germline): Uncertain significance (1 of 4 stars; one submission).

Conditions:
Hereditary cancer-predisposing syndrome. Also called: Tumor predisposition; Hereditary Cancer Syndrome; Hereditary neoplastic syndrome; Neoplastic Syndromes, Hereditary. Identifiers: Orphanet 140162, MedGen C0027672, MeSH D009386, MONDO:0015356.

Submission:

Ambry Genetics
Classification: Uncertain significance for Hereditary cancer-predisposing syndrome. Last evaluated: 2025-11-21. Review status: criteria provided, single submitter. Criteria: Ambry Variant Classification Scheme 2023. Collection method: clinical testing. Allele origin: germline.
Comment: The p.M519T variant (also known as c.1556T>C), located in coding exon 12 of the SDHA gene, results from a T to C substitution at nucleotide position 1556. The methionine at codon 519 is replaced by threonine, an amino acid with similar properties. This amino acid position is highly conserved in available vertebrate species. In addition, this alteration is predicted to be deleterious by in silico analysis. Based on the available evidence, the clinical significance of this variant remains unclear.